The following is an entry in ClinVar:

ClinVar aggregate classification (germline): Uncertain significance (1 of 4 stars; one submission).

Conditions:
DNAH7-related disorder. Also called: DNAH7-related condition.

gnomAD v4.1: 54 of 1,598,180 alleles (0.0034%); highest among the groups gnomAD compares: Non-Finnish European, 0.0044%; no homozygotes.

Submission:

PreventionGenetics, part of Exact Sciences
Classification: Uncertain significance for DNAH7-related condition. Last evaluated: 2026-05-09. Review status: criteria provided, single submitter. Criteria: ACMG Guidelines, 2015. Collection method: clinical testing. Allele origin: germline.
Comment: The DNAH7 c.10852C>A variant is predicted to result in the amino acid substitution p.Leu3618Ile. To our knowledge, this variant has not been reported in the literature. This variant is reported in 0.0032% of alleles in individuals of European (Non-Finnish) descent in gnomAD. At this time, the clinical significance of this variant is uncertain due to the absence of conclusive functional and genetic evidence.

NM_018897.3(DNAH7):c.10852C>A (p.Leu3618Ile)

Gene: DNAH7 (dynein axonemal heavy chain 7; minus strand). Cytogenetic location: 2q32.3.
Variant type: single nucleotide variant.
Coding change: c.10852C>A on transcript NM_018897.3 (MANE Select); coding-DNA position 10852, C replaced by A.
Protein change: p.Leu3618Ile; replaces leucine 3618 with isoleucine.
Molecular consequence: missense variant.
Genome position (GRCh38, 1-based): chr2:195,787,036, G>T on the plus strand (C>A on the coding strand, the complement: DNAH7 is on the minus strand). VCF-style: chr2-195787036-G-T. GRCh37 (hg19) VCF-style: chr2-196651760-G-T.
Other names: short protein forms L3618I.
Identifiers: ClinVar variation 4997146 (VCV004997146.1).